The following is an entry in ClinVar:

NM_145239.3(PRRT2):c.896A>C (p.Gln299Pro)

Genes: MVP-DT (MVP divergent transcript; minus strand), PRRT2 (proline rich transmembrane protein 2; plus strand). Cytogenetic location: 16p11.2.
Variant type: single nucleotide variant.
Coding change: c.896A>C on transcript NM_145239.3 (MANE Select); coding-DNA position 896, A replaced by C.
Protein change: p.Gln299Pro; replaces glutamine 299 with proline.
Molecular consequence: missense variant. On other transcripts: 3 prime UTR variant (1).
Genome position (GRCh38, 1-based): chr16:29,814,349, A>C. VCF-style: chr16-29814349-A-C. GRCh37 (hg19) VCF-style: chr16-29825670-A-C.
Other names: c.896A>C, p.Gln299Pro (NM_001256442.2); c.*395A>C (NM_001256443.2); short protein forms Q299P.
Identifiers: ClinVar variation 1365954 (VCV001365954.8), dbSNP rs2142428856, ClinGen allele CA395480512.
Genomic context (GRCh38, chr16:29,814,349, plus strand): 5'-TCCTGACCCCGGCTATGTGCCTCCACCCCTCGCCCTAACCCCAGTCCCGGAACAGCCTGC[A>C]GCAGGGGGACGTGGACGGGGCCCAGCGTCTGGGCCGGGTAGCCAAGCTCTTAAGCATCGT-3'
Protein context (NP_660282.2, residues 289-309): AYAVMSRNSL[Gln299Pro]QGDVDGAQRL

ClinVar aggregate classification (germline): Uncertain significance (1 of 4 stars; one submission).

Conditions:
Episodic kinesigenic dyskinesia (EKD). Also called: Paroxysmal kinesigenic dyskinesia. Identifiers: Orphanet 98809, MedGen C1868682, MONDO:0044202.

Submission:

Labcorp Genetics (formerly Invitae), Labcorp
Classification: Uncertain significance for Episodic kinesigenic dyskinesia. Last evaluated: 2022-08-07. Review status: criteria provided, single submitter. Criteria: Invitae Variant Classification Sherloc (09022015). Collection method: clinical testing. Allele origin: germline.
Comment: In summary, the available evidence is currently insufficient to determine the role of this variant in disease. Therefore, it has been classified as a Variant of Uncertain Significance. Algorithms developed to predict the effect of missense changes on protein structure and function are either unavailable or do not agree on the potential impact of this missense change (SIFT: "Deleterious"; PolyPhen-2: "Probably Damaging"; Align-GVGD: "Class C0"). ClinVar contains an entry for this variant (Variation ID: 1365954). This missense change has been observed in individual(s) with clinical features of PRRT2-related conditions (PMID: 31302675). This variant is not present in population databases (gnomAD no frequency). This sequence change replaces glutamine, which is neutral and polar, with proline, which is neutral and non-polar, at codon 299 of the PRRT2 protein (p.Gln299Pro).

Literature cited by the submitters: PubMed 31302675.